The following is an entry in ClinVar:

ClinVar aggregate classification (germline): Uncertain significance (1 of 4 stars; one submission).

Submission:

GeneDx
Classification: Uncertain significance. Last evaluated: 2024-11-15. Review status: criteria provided, single submitter. Criteria: GeneDx Variant Classification Process June 2021. Collection method: clinical testing. Allele origin: germline. Affected: yes.
Comment: Not observed at significant frequency in large population cohorts (gnomAD); In silico analysis indicates that this missense variant does not alter protein structure/function; Has not been previously published as pathogenic or benign to our knowledge

NM_020719.3(PRR12):c.2751C>G (p.Ser917Arg)

Gene: PRR12 (proline rich 12; plus strand). Cytogenetic location: 19q13.33.
Variant type: single nucleotide variant.
Coding change: c.2751C>G on transcript NM_020719.3 (MANE Select); coding-DNA position 2751, C replaced by G.
Protein change: p.Ser917Arg; replaces serine 917 with arginine.
Molecular consequence: missense variant.
Genome position (GRCh38, 1-based): chr19:49,597,086, C>G. VCF-style: chr19-49597086-C-G. GRCh37 (hg19) VCF-style: chr19-50100343-C-G.
Other names: short protein forms S917R.
Identifiers: ClinVar variation 1308071 (VCV001308071.3), dbSNP rs1001563451, ClinGen allele CA309529535.
Genomic context (GRCh38, chr19:49,597,086, plus strand): 5'-TGGCGTAGGCCCACCAAACTCGGAGGGCAAGGATCCCGCAGGCGCCTACCGCAGCCCCAG[C>G]CCGCAAGGCACCAAGGCGCCGCGTTTCGTGCCGCTCACCTCCATCTGCTTCCCTGACTCC-3'
Protein context (NP_065770.1, residues 907-927): KDPAGAYRSP[Ser917Arg]PQGTKAPRFV